The following is an entry in ClinVar:

NM_033163.5(FGF8):c.18C>A (p.Ser6=)

Gene: FGF8 (fibroblast growth factor 8; minus strand). Cytogenetic location: 10q24.32.
Variant type: single nucleotide variant.
Coding change: c.18C>A on transcript NM_033163.5 (MANE Select); coding-DNA position 18, C replaced by A.
Protein change: p.Ser6=; no amino-acid change (serine 6 retained).
Molecular consequence: synonymous variant. On other transcripts: intron variant (1).
Genome position (GRCh38, 1-based): chr10:101,775,883, G>T on the plus strand (C>A on the coding strand, the complement: FGF8 is on the minus strand). VCF-style: chr10-101775883-G-T. GRCh37 (hg19) VCF-style: chr10-103535640-G-T.
Other names: c.18C>A, p.Ser6= (NM_006119.6, NM_033164.4, NM_033165.5); c.-160-107C>A (NM_001206389.2).
Identifiers: ClinVar variation 3033189 (VCV003033189.2), dbSNP rs2065083930, ClinGen allele CA470996601.

ClinVar aggregate classification (germline): Likely benign (0 of 4 stars; one submission).

Conditions:
FGF8-related disorder. Also called: FGF8-related condition.

Submission:

PreventionGenetics, part of Exact Sciences
Classification: Likely benign for FGF8-related condition. Last evaluated: 2021-06-03. Review status: no assertion criteria provided. Collection method: clinical testing. Allele origin: germline.
Comment: This variant is classified as likely benign based on ACMG/AMP sequence variant interpretation guidelines (Richards et al. 2015 PMID: 25741868, with internal and published modifications).